The following is an entry in ClinVar:

NM_005219.5(DIAPH1):c.3414_3415delinsAA (p.His1139Asn)

Gene: DIAPH1 (diaphanous related formin 1; minus strand). Cytogenetic location: 5q31.3.
Variant type: Indel.
Coding change: c.3414_3415delinsAA on transcript NM_005219.5 (MANE Select); coding-DNA positions 3414 to 3415, TC replaced by AA.
Protein change: p.His1139Asn; replaces histidine 1139 with asparagine.
Molecular consequence: missense variant.
Genome position (GRCh38, 1-based): chr5:141,526,320-141,526,321, GA replaced by TT on the plus strand (TC replaced by AA on the coding strand, the reverse complement: DIAPH1 is on the minus strand). VCF-style: chr5-141526320-GA-TT. GRCh37 (hg19) VCF-style: chr5-140905887-GA-TT.
Other names: c.3387_3388delinsAA, p.His1130Asn (NM_001079812.3); c.3414_3415delinsAA, p.His1139Asn (NM_001314007.2); short protein forms H1130N, H1139N.
Identifiers: ClinVar variation 2926679 (VCV002926679.3), dbSNP rs2513618584, ClinGen allele CA2740094101.

ClinVar aggregate classification (germline): Uncertain significance (1 of 4 stars; one submission).

Conditions:
Autosomal dominant nonsyndromic hearing loss 1. Also called: KONIGSMARK SYNDROME; DEAFNESS, AUTOSOMAL DOMINANT 1, WITH OR WITHOUT THROMBOCYTOPENIA. Identifiers: Orphanet 90635, MedGen C1852282, MONDO:0007424, OMIM 124900.
Progressive microcephaly-seizures-cortical blindness-developmental delay syndrome. Also called: Seizures, cortical blindness, and microcephaly syndrome. Identifiers: Orphanet 477814, MedGen C5567650, MONDO:0014714, OMIM 616632.

Submission:

Labcorp Genetics (formerly Invitae), Labcorp
Classification: Uncertain significance for Progressive microcephaly-seizures-cortical blindness-developmental delay syndrome; Autosomal dominant nonsyndromic hearing loss 1. Last evaluated: 2025-04-07. Review status: criteria provided, single submitter. Criteria: Invitae Variant Classification Sherloc (09022015). Collection method: clinical testing. Allele origin: germline.
Comment: This sequence change replaces histidine, which is basic and polar, with asparagine, which is neutral and polar, at codon 1139 of the DIAPH1 protein (p.His1139Asn). Information on the frequency of this variant in the gnomAD database is not available, as this variant may be reported differently in the database. This variant has not been reported in the literature in individuals affected with DIAPH1-related conditions. ClinVar contains an entry for this variant (Variation ID: 2926679). Experimental studies and prediction algorithms are not available or were not evaluated, and the functional significance of this variant is currently unknown. In summary, the available evidence is currently insufficient to determine the role of this variant in disease. Therefore, it has been classified as a Variant of Uncertain Significance.